The following is an entry in ClinVar:

NM_002016.2(FLG):c.1701A>C (p.Ala567=)

Genes: CCDST (cervical cancer associated DHX9 suppressive transcript; plus strand), FLG (filaggrin; minus strand). Cytogenetic location: 1q21.3.
Variant type: single nucleotide variant.
Coding change: c.1701A>C on transcript NM_002016.2 (MANE Select); coding-DNA position 1701, A replaced by C.
Protein change: p.Ala567=; no amino-acid change (alanine 567 retained).
Molecular consequence: synonymous variant.
Genome position (GRCh38, 1-based): chr1:152,313,185, T>G on the plus strand (A>C on the coding strand, the complement: FLG is on the minus strand). VCF-style: chr1-152313185-T-G. GRCh37 (hg19) VCF-style: chr1-152285661-T-G.
Identifiers: ClinVar variation 2639316 (VCV002639316.24), dbSNP rs71625187, ClinGen allele CA30565136.

ClinVar aggregate classification (germline): Likely benign (1 of 4 stars; one submission).

Allele frequency attached by ClinVar (database versions not stated): gnomAD exomes below 0.00001; gnomAD 0.00001; TOPMed 0.00001.
gnomAD v4.1: 2 of 1,613,734 alleles (0.00012%); highest among the groups gnomAD compares: Admixed American, 0.0017%; no homozygotes.

Submission:

CeGaT Center for Human Genetics Tuebingen
Classification: Likely benign. Last evaluated: 2022-11-01. Review status: criteria provided, single submitter. Criteria: CeGaT Center For Human Genetics Tuebingen Variant Classification Criteria Version 2. Collection method: clinical testing. Allele origin: germline. Affected: yes. Observed: 1 variant allele.
Comment: FLG: BP4, BP7